The following is an entry in ClinVar:

ClinVar aggregate classification (germline): Likely benign. Review status: criteria provided, single submitter (1 of 4 stars). 2 submissions from 2 submitters: Likely benign (1). 1 of the submissions does not count toward it. Last evaluated 2025-09-02.

Conditions:
PKD1L1-related disorder. Also called: PKD1L1-related condition.

Allele frequency attached by ClinVar (database versions not stated): 1000 Genomes Project 30x 0.00016; 1000 Genomes Project 0.00020; gnomAD exomes 0.00005; ExAC 0.00011; ESP Exome Variant Server 0.00062; TOPMed 0.00039; gnomAD 0.00045.
gnomAD v4.1: 172 of 1,614,016 alleles (0.011%); highest among the groups gnomAD compares: African/African-American, 0.16%; 1 homozygote.

Submissions (2):

Labcorp Genetics (formerly Invitae), Labcorp
Classification: Likely benign. Last evaluated: 2025-09-02. Review status: criteria provided, single submitter. Criteria: Invitae Variant Classification Sherloc (09022015). Collection method: clinical testing. Allele origin: germline.

PreventionGenetics, part of Exact Sciences
Classification: Likely benign for PKD1L1-related condition. Last evaluated: 2023-08-24. Review status: no assertion criteria provided. Collection method: clinical testing. Allele origin: germline. Not counted in ClinVar's aggregate classification.
Comment: This variant is classified as likely benign based on ACMG/AMP sequence variant interpretation guidelines (Richards et al. 2015 PMID: 25741868, with internal and published modifications).

NM_138295.5(PKD1L1):c.4776C>T (p.Ser1592=)

Gene: PKD1L1 (polycystin 1 like 1, transient receptor potential channel interacting; minus strand). Cytogenetic location: 7p12.3.
Variant type: single nucleotide variant.
Coding change: c.4776C>T on transcript NM_138295.5 (MANE Select); coding-DNA position 4776, C replaced by T.
Protein change: p.Ser1592=; no amino-acid change (serine 1592 retained).
Molecular consequence: synonymous variant.
Genome position (GRCh38, 1-based): chr7:47,854,965, G>A on the plus strand (C>T on the coding strand, the complement: PKD1L1 is on the minus strand). VCF-style: chr7-47854965-G-A. GRCh37 (hg19) VCF-style: chr7-47894563-G-A.
Other names: c.4776C>T (NM_138295.3).
Identifiers: ClinVar variation 2755635 (VCV002755635.5), dbSNP rs112205026, ClinGen allele CA4253031.